The following is an entry in ClinVar:

NM_001206927.2(DNAH8):c.5380C>T (p.Arg1794Ter)

Gene: DNAH8 (dynein axonemal heavy chain 8; plus strand). Cytogenetic location: 6p21.2.
Variant type: single nucleotide variant.
Coding change: c.5380C>T on transcript NM_001206927.2 (MANE Select); coding-DNA position 5380, C replaced by T.
Protein change: p.Arg1794Ter; replaces arginine 1794 with a stop codon.
Molecular consequence: nonsense.
Genome position (GRCh38, 1-based): chr6:38,851,588, C>T. VCF-style: chr6-38851588-C-T. GRCh37 (hg19) VCF-style: chr6-38819364-C-T.
Other names: c.4729C>T, p.Arg1577Ter (NM_001371.4); short protein forms R1794*, R1577*.
Identifiers: ClinVar variation 2725349 (VCV002725349.3), dbSNP rs781224411, ClinGen allele CA3789361.

ClinVar aggregate classification (germline): Pathogenic (1 of 4 stars; one submission).

Conditions:
Primary ciliary dyskinesia. Also called: Ciliary dyskinesia. Identifiers: Orphanet 244, MedGen C0008780, MONDO:0016575, HP:0012265.

Allele frequency attached by ClinVar (database versions not stated): gnomAD exomes below 0.00001; ExAC 0.00001; TOPMed 0.00002; gnomAD 0.00003.
gnomAD v4.1: 11 of 1,605,692 alleles (0.00069%); highest among the groups gnomAD compares: African/African-American, 0.0067%; no homozygotes.

Submission:

Labcorp Genetics (formerly Invitae), Labcorp
Classification: Pathogenic for Primary ciliary dyskinesia. Last evaluated: 2023-09-24. Review status: criteria provided, single submitter. Criteria: Invitae Variant Classification Sherloc (09022015). Collection method: clinical testing. Allele origin: germline.
Comment: This sequence change creates a premature translational stop signal (p.Arg1794*) in the DNAH8 gene. It is expected to result in an absent or disrupted protein product. Loss-of-function variants in DNAH8 are known to be pathogenic (PMID: 24307375, 32619401, 32681648). This variant is present in population databases (rs781224411, gnomAD 0.004%). This variant has not been reported in the literature in individuals affected with DNAH8-related conditions. For these reasons, this variant has been classified as Pathogenic.

Literature cited by the submitters: PubMed 24307375; PubMed 32619401; PubMed 32681648.